The following is an entry in ClinVar:

NM_003482.4(KMT2D):c.1353ACC[1] (p.Pro453del)

Gene: KMT2D (lysine methyltransferase 2D; minus strand). Cytogenetic location: 12q13.12.
Variant type: Microsatellite.
Coding change: c.1353ACC[1] on transcript NM_003482.4 (MANE Select); one copy of the 3-base unit ACC starting at c.1353; the reference has two copies in a row; one copy, 3 bases deleted; also written c.1356_1358del.
Protein change: p.Pro453del; deletes proline 453.
Molecular consequence: inframe deletion. On other transcripts: inframe indel (2).
Genome position (GRCh38, 1-based): chr12:49,052,325-49,052,327, GGT deleted on the plus strand (ACC on the coding strand, the reverse complement: KMT2D is on the minus strand); deleting any 3 consecutive bases within chr12:49,052,325-49,052,332 gives the same sequence; the position shown is the placement nearest the transcript's 3' end. VCF-style (leftmost placement, unchanged base first): chr12-49052324-AGGT-A. GRCh37 (hg19) VCF-style: chr12-49446107-AGGT-A.
Other names: c.1351_1353CCA[1], p.Pro453del (NM_003482.3); c.1356_1358del (NM_003482.3); short protein forms P453del.
Identifiers: ClinVar variation 2502805 (VCV002502805.1), dbSNP rs2498460242, ClinGen allele CA2580615184.
Genomic context (GRCh38, chr12:49,052,324, plus strand): 5'-TTCCTCAGGTGGTGGTGACAGGCGTGATGCCTCAGGTGGTGGGGACGTGGGTGATTCCTC[AGGT>A]GGTGGGGACAGGGGTGACTCCTCAGGTGGGGGCAGCAGTGGCATCTCCTCGTTTAGGGGG-3'

ClinVar aggregate classification (germline): Uncertain significance (1 of 4 stars; one submission).

Submission:

GeneDx
Classification: Uncertain significance. Last evaluated: 2022-11-22. Review status: criteria provided, single submitter. Criteria: GeneDx Variant Classification Process June 2021. Collection method: clinical testing. Allele origin: germline. Affected: yes.
Comment: Not observed at significant frequency in large population cohorts (gnomAD); In-frame deletion of 1 amino acids in a non-repeat region; In silico analysis supports that this variant does not alter protein structure/function; Has not been previously published as pathogenic or benign to our knowledge